The following is an entry in ClinVar:

NM_000719.7(CACNA1C):c.1435G>A (p.Val479Met)

Gene: CACNA1C (calcium voltage-gated channel subunit alpha1 C; plus strand). Cytogenetic location: 12p13.33.
Variant type: single nucleotide variant.
Coding change: c.1435G>A on transcript NM_000719.7 (MANE Select); coding-DNA position 1435, G replaced by A.
Protein change: p.Val479Met; replaces valine 479 with methionine.
Molecular consequence: missense variant.
Genome position (GRCh38, 1-based): chr12:2,549,987, G>A. VCF-style: chr12-2549987-G-A. GRCh37 (hg19) VCF-style: chr12-2659153-G-A.
Other names: p.Val479Met; c.1435G>A, p.Val479Met (NM_001129827.2, NM_001129829.2, NM_001129830.3 and 18 more transcripts); c.1426G>A, p.Val476Met (NM_001129844.2); short protein forms V479M, V476M.
Identifiers: ClinVar variation 518504 (VCV000518504.16), dbSNP rs752677964, ClinGen allele CA6388735.

ClinVar aggregate classification (germline): Conflicting classifications of pathogenicity. Review status: criteria provided, conflicting classifications (1 of 4 stars). 3 submissions from 3 submitters: Uncertain significance (2); Likely benign (1). Last evaluated 2025-07-22.

Conditions:
Long QT syndrome (LQTS). Identifiers: MedGen C0023976, MeSH D008133, MONDO:0002442. Disease mechanism: loss of function. Inheritance: Various modes of inheritance.
Cardiovascular phenotype. Identifiers: MedGen CN230736.

Allele frequency attached by ClinVar (database versions not stated): gnomAD 0.00001; TOPMed 0.00001; gnomAD exomes 0.00002 and 0.00009; ExAC 0.00004.
gnomAD v4.1: 125 of 1,608,328 alleles (0.0078%); highest among the groups gnomAD compares: Non-Finnish European, 0.01%; no homozygotes.

Submissions (3):

Labcorp Genetics (formerly Invitae), Labcorp
Classification: Uncertain significance for Long QT syndrome. Last evaluated: 2025-07-22. Review status: criteria provided, single submitter. Criteria: Invitae Variant Classification Sherloc (09022015). Collection method: clinical testing. Allele origin: germline.
Comment: This sequence change replaces valine, which is neutral and non-polar, with methionine, which is neutral and non-polar, at codon 479 of the CACNA1C protein (p.Val479Met). The frequency data for this variant in the population databases is considered unreliable, as metrics indicate poor data quality at this position in the gnomAD database. This missense change has been observed in individual(s) with clinical features of long QT syndrome (internal data). ClinVar contains an entry for this variant (Variation ID: 518504). Invitae Evidence Modeling of protein sequence and biophysical properties (such as structural, functional, and spatial information, amino acid conservation, physicochemical variation, residue mobility, and thermodynamic stability) indicates that this missense variant is not expected to disrupt CACNA1C protein function with a negative predictive value of 95%. In summary, the available evidence is currently insufficient to determine the role of this variant in disease. Therefore, it has been classified as a Variant of Uncertain Significance.

Ambry Genetics
Classification: Likely benign for Cardiovascular phenotype. Last evaluated: 2023-08-08. Review status: criteria provided, single submitter. Criteria: Ambry Variant Classification Scheme 2023. Collection method: clinical testing. Allele origin: germline.

Mayo Clinic Laboratories, Mayo Clinic
Classification: Uncertain significance. Last evaluated: 2022-01-12. Review status: criteria provided, single submitter. Criteria: ACMG Guidelines, 2015. Collection method: clinical testing. Allele origin: germline.